The following is an entry in ClinVar:

NM_000270.4(PNP):c.652+93T>A

Gene: PNP (purine nucleoside phosphorylase; plus strand). Cytogenetic location: 14q11.2.
Variant type: single nucleotide variant.
Coding change: c.652+93T>A on transcript NM_000270.4 (MANE Select); 93 bases into the intron after coding-DNA position 652, T replaced by A.
Molecular consequence: intron variant.
Genome position (GRCh38, 1-based): chr14:20,475,345, T>A. VCF-style: chr14-20475345-T-A. GRCh37 (hg19) VCF-style: chr14-20943504-T-A.
Identifiers: ClinVar variation 2688242 (VCV002688242.2), dbSNP rs1756369, ClinGen allele CA14015103.
Genomic context (GRCh38, chr14:20,475,345, plus strand): 5'-AGGGAGGGGTTTAGCAAAATGGGAAGGGGAAGGAGTAGGAAATAACAGGCCTCATTGGAC[T>A]GAGAGGATCTGATTTCAGGGAAGGGTGAATTAAACTGACTTATTGAAATACAAACTGGTG-3'

ClinVar aggregate classification (germline): Benign (1 of 4 stars; one submission).

Allele frequency attached by ClinVar (database versions not stated): gnomAD exomes 0.21102; 1000 Genomes Project 0.21426; 1000 Genomes Project 30x 0.21565; gnomAD 0.22294; TOPMed 0.22926.
gnomAD v4.1: 220,427 of 1,035,646 alleles (21%); highest among the groups gnomAD compares: Admixed American, 25%; 24,117 homozygotes.

Submission:

Unidad de Genómica Garrahan, Hospital de Pediatría Garrahan
Classification: Benign. Last evaluated: 2024-01-24. Review status: criteria provided, single submitter. Criteria: ACMG Guidelines, 2015. Collection method: clinical testing. Allele origin: germline. Affected: no. Observed: 29 variant alleles.
Comment: This variant is classified as Benign based on local population frequency. This variant was detected in 31% of patients studied by a panel of primary immunodeficiencies. Number of patients: 29. Only high quality variants are reported.